The following is an entry in ClinVar:

ClinVar aggregate classification (germline): Uncertain significance. Review status: criteria provided, multiple submitters, no conflicts (2 of 4 stars). 4 submissions from 4 submitters: Uncertain significance (4). Last evaluated 2023-05-04.

Conditions:
Inborn genetic diseases. Identifiers: MedGen C0950123, MeSH D030342.
Nephronophthisis. Also called: Juvenile Nephronophthisis. Identifiers: Orphanet 655, MedGen C0687120, MONDO:0019005, HP:0000090.
Senior-Loken syndrome 5 (SLSN5). Identifiers: Orphanet 3156, MedGen C1836517, MONDO:0012225, OMIM 609254.

gnomAD v4.1: 5 of 1,613,932 alleles (0.00031%); highest among the groups gnomAD compares: Admixed American, 0.005%; no homozygotes.

Submissions (4):

Ambry Genetics
Classification: Uncertain significance for Inborn genetic diseases. Last evaluated: 2023-05-04. Review status: criteria provided, single submitter. Criteria: Ambry Variant Classification Scheme 2023. Collection method: clinical testing. Allele origin: germline.

Blueprint Genetics
Classification: Uncertain significance. Last evaluated: 2022-08-19. Review status: criteria provided, single submitter. Criteria: ACMG Guidelines, 2015. Collection method: clinical testing. Allele origin: germline.

Fulgent Genetics
Classification: Uncertain significance for Senior-Loken syndrome 5. Last evaluated: 2022-02-24. Review status: criteria provided, single submitter. Criteria: ACMG Guidelines, 2015. Collection method: clinical testing. Allele origin: unknown.

Labcorp Genetics (formerly Invitae), Labcorp
Classification: Uncertain significance for Nephronophthisis. Last evaluated: 2020-05-08. Review status: criteria provided, single submitter. Criteria: Invitae Variant Classification Sherloc (09022015). Collection method: clinical testing. Allele origin: germline.
Comment: In summary, the available evidence is currently insufficient to determine the role of this variant in disease. Therefore, it has been classified as a Variant of Uncertain Significance. Algorithms developed to predict the effect of missense changes on protein structure and function are either unavailable or do not agree on the potential impact of this missense change (SIFT: "Deleterious"; PolyPhen-2: "Benign"; Align-GVGD: "Class C0"). This variant has not been reported in the literature in individuals with IQCB1-related conditions. This variant is present in population databases (rs777697438, ExAC 0.01%). This sequence change replaces tyrosine with phenylalanine at codon 417 of the IQCB1 protein (p.Tyr417Phe). The tyrosine residue is highly conserved and there is a small physicochemical difference between tyrosine and phenylalanine.

NM_001023570.4(IQCB1):c.1250A>T (p.Tyr417Phe)

Gene: IQCB1 (IQ motif containing B1; minus strand). Cytogenetic location: 3q13.33.
Variant type: single nucleotide variant.
Coding change: c.1250A>T on transcript NM_001023570.4 (MANE Select); coding-DNA position 1250, A replaced by T.
Protein change: p.Tyr417Phe; replaces tyrosine 417 with phenylalanine.
Molecular consequence: missense variant. On other transcripts: non-coding transcript variant (1).
Genome position (GRCh38, 1-based): chr3:121,788,312, T>A on the plus strand (A>T on the coding strand, the complement: IQCB1 is on the minus strand). VCF-style: chr3-121788312-T-A. GRCh37 (hg19) VCF-style: chr3-121507159-T-A.
Other names: c.1250A>T (NM_001023570.2); c.851A>T, p.Tyr284Phe (NM_001023571.4); c.1250A>T, p.Tyr417Phe (NM_001319107.2); short protein forms Y284F, Y417F.
Identifiers: ClinVar variation 1057883 (VCV001057883.10), dbSNP rs777697438, ClinGen allele CA2567169.